The following is an entry in ClinVar:

ClinVar aggregate classification (germline): Pathogenic (1 of 4 stars; one submission).

Conditions:
Charcot-Marie-Tooth disease, type I (CMT1). Also called: Charcot-Marie-Tooth disease type 1; Charcot-Marie-Tooth, Type 1. Identifiers: Orphanet 65753, MedGen C0751036, MONDO:0019011.

Submission:

Labcorp Genetics (formerly Invitae), Labcorp
Classification: Pathogenic for Charcot-Marie-Tooth disease, type I. Last evaluated: 2020-02-14. Review status: criteria provided, single submitter. Criteria: Invitae Variant Classification Sherloc (09022015). Collection method: clinical testing. Allele origin: germline.
Comment: This variant is a gross duplication of the genomic region encompassing exons 2-5 of the PMP22 gene. This assay only includes exons 2-5 of PMP22, which covers the entire coding sequence. Therefore, it is assumed that the entire gene is duplicated. Duplications of the region on chromosome 17p11.2 which contain the PMP22 gene cause Charcot-Marie-Tooth type 1A (CMT1A) (PMID: 1677316, 1822787). These reported duplications have been shown to lead to increased gene dosage as the functional defect in patients with CMT1A (PMID: 1303230). For these reasons, this variant has been classified as Pathogenic.

Literature cited by the submitters: PubMed 1677316; PubMed 1822787; PubMed 1303230.

NC_000017.10:g.(?_15132094)_(15169674_?)dup

Gene: PMP22 (peripheral myelin protein 22; minus strand). Cytogenetic location: 17p12.
Variant type: Duplication.
Identifiers: ClinVar variation 1070719 (VCV001070719.1).